The following is an entry in ClinVar:

ClinVar aggregate classification (germline): Uncertain significance (1 of 4 stars; one submission).

Submission:

Women's Health and Genetics/Laboratory Corporation of America, LabCorp
Classification: Uncertain significance. Last evaluated: 2025-12-03. Review status: criteria provided, single submitter. Criteria: LabCorp Variant Classification Summary - May 2015. Collection method: clinical testing. Allele origin: germline.
Comment: Variant summary: COL5A1 c.-5C>T is located in the untranslated mRNA region upstream of the initiation codon. The variant was absent in 30236 control chromosomes (gnomAD). The available data on variant occurrences in the general population are insufficient to allow any conclusion about variant significance. To our knowledge, no occurrence of c.-5C>T in individuals affected with COL5A1-related conditions and no experimental evidence demonstrating its impact on protein function have been reported. No submitters have cited clinical-significance assessments for this variant to ClinVar. Based on the evidence outlined above, the variant was classified as uncertain significance.

NM_000093.5(COL5A1):c.-5C>T

Gene: COL5A1 (collagen type V alpha 1 chain; plus strand). Cytogenetic location: 9q34.3.
Variant type: single nucleotide variant.
Coding change: c.-5C>T on transcript NM_000093.5 (MANE Select); 5 bases upstream of the start codon, C replaced by T.
Molecular consequence: 5 prime UTR variant.
Genome position (GRCh38, 1-based): chr9:134,642,183, C>T. VCF-style: chr9-134642183-C-T. GRCh37 (hg19) VCF-style: chr9-137534029-C-T.
Other names: c.-5C>T (NM_001278074.1).
Identifiers: ClinVar variation 4688632 (VCV004688632.1).